The following is an entry in ClinVar:

ClinVar aggregate classification (germline): Conflicting classifications of pathogenicity. Review status: criteria provided, conflicting classifications (1 of 4 stars). 4 submissions from 4 submitters: Uncertain significance (3); Likely benign (1). Last evaluated 2025-09-15.

Conditions:
Finnish type amyloidosis. Also called: AMYLOIDOSIS, HEREDITARY SYSTEMIC 4, FINNISH TYPE; AMYLOID CRANIAL NEUROPATHY WITH LATTICE CORNEAL DYSTROPHY; AMYLOIDOSIS DUE TO MUTANT GELSOLIN; Lattice corneal dystrophy associated with familial systemic amyloidosis; Meretoja's syndrome; Lattice dystrophy of the cornea with hereditary generalized amyloidosis. Identifiers: Orphanet 85448, MedGen C1622345, MONDO:0007097, OMIM 105120.
Inborn genetic diseases. Identifiers: MedGen C0950123, MeSH D030342.

Allele frequency attached by ClinVar (database versions not stated): TOPMed 0.00001; gnomAD 0.00003; ExAC 0.00004; gnomAD exomes 0.00004 and 0.00005.
gnomAD v4.1: 74 of 1,614,136 alleles (0.0046%); highest among the groups gnomAD compares: South Asian, 0.041%; 1 homozygote.

Submissions (4):

Labcorp Genetics (formerly Invitae), Labcorp
Classification: Uncertain significance. Last evaluated: 2025-09-15. Review status: criteria provided, single submitter. Criteria: Invitae Variant Classification Sherloc (09022015). Collection method: clinical testing. Allele origin: germline.
Comment: This sequence change replaces arginine, which is basic and polar, with glutamine, which is neutral and polar, at codon 419 of the GSN protein (p.Arg419Gln). This variant is present in population databases (rs781764487, gnomAD 0.02%). This variant has not been reported in the literature in individuals affected with GSN-related conditions. ClinVar contains an entry for this variant (Variation ID: 1503281). An algorithm developed to predict the effect of missense changes on protein structure and function (PolyPhen-2) suggests that this variant is likely to be tolerated. In summary, the available evidence is currently insufficient to determine the role of this variant in disease. Therefore, it has been classified as a Variant of Uncertain Significance.

CeGaT Center for Human Genetics Tuebingen
Classification: Likely benign. Last evaluated: 2022-09-01. Review status: criteria provided, single submitter. Criteria: CeGaT Center For Human Genetics Tuebingen Variant Classification Criteria Version 2. Collection method: clinical testing. Allele origin: germline. Affected: yes. Observed: 1 variant allele.
Comment: GSN: BP4

Fulgent Genetics
Classification: Uncertain significance for Finnish type amyloidosis. Last evaluated: 2022-04-07. Review status: criteria provided, single submitter. Criteria: ACMG Guidelines, 2015. Collection method: clinical testing. Allele origin: unknown.

Ambry Genetics
Classification: Uncertain significance for Inborn genetic diseases. Last evaluated: 2021-10-09. Review status: criteria provided, single submitter. Criteria: Ambry Variant Classification Scheme 2023. Collection method: clinical testing. Allele origin: germline.
Comment: The p.R419Q variant (also known as c.1256G>A), located in coding exon 9 of the GSN gene, results from a G to A substitution at nucleotide position 1256. The arginine at codon 419 is replaced by glutamine, an amino acid with highly similar properties. This amino acid position is conserved. In addition, this alteration is predicted to be tolerated by in silico analysis. Since supporting evidence is limited at this time, the clinical significance of this alteration remains unclear.

NM_198252.3(GSN):c.1103G>A (p.Arg368Gln)

Gene: GSN (gelsolin; plus strand). Cytogenetic location: 9q33.2.
Variant type: single nucleotide variant.
Coding change: c.1103G>A on transcript NM_198252.3 (MANE Select); coding-DNA position 1103, G replaced by A.
Protein change: p.Arg368Gln; replaces arginine 368 with glutamine.
Molecular consequence: missense variant.
Genome position (GRCh38, 1-based): chr9:121,318,792, G>A. VCF-style: chr9-121318792-G-A. GRCh37 (hg19) VCF-style: chr9-124081070-G-A.
Other names: c.1256G>A, p.Arg419Gln (NM_000177.5); c.1103G>A, p.Arg368Gln (NM_001127662.2, NM_001127664.2, NM_001127665.2 and 10 more transcripts); c.1211G>A, p.Arg404Gln (NM_001127663.2); c.1136G>A, p.Arg379Gln (NM_001127666.2, NM_001127667.2, NM_001353063.2 and 13 more transcripts); c.1154G>A, p.Arg385Gln (NM_001258029.2); c.1127G>A, p.Arg376Gln (NM_001258030.2); c.1175G>A, p.Arg392Gln (NM_001353076.2); c.449G>A, p.Arg150Gln (NM_001353078.2); short protein forms R379Q, R385Q, R150Q, R368Q, R392Q, R419Q, R376Q, R404Q.
Identifiers: ClinVar variation 1503281 (VCV001503281.35), dbSNP rs781764487, ClinGen allele CA5221148.